The following is an entry in ClinVar:

ClinVar aggregate classification (germline): Uncertain significance (1 of 4 stars; one submission).

Conditions:
Inborn genetic diseases. Identifiers: MedGen C0950123, MeSH D030342.

Submission:

Ambry Genetics
Classification: Uncertain significance for Inborn genetic diseases. Last evaluated: 2024-02-10. Review status: criteria provided, single submitter. Criteria: Ambry Variant Classification Scheme 2023. Collection method: clinical testing. Allele origin: germline.
Comment: The p.C925W variant (also known as c.2775C>G), located in coding exon 21 of the LRRK2 gene, results from a C to G substitution at nucleotide position 2775. The cysteine at codon 925 is replaced by tryptophan, an amino acid with highly dissimilar properties. This amino acid position is conserved. In addition, this alteration is predicted to be tolerated by in silico analysis. Since supporting evidence is limited at this time, the clinical significance of this alteration remains unclear.

NM_198578.4(LRRK2):c.2775C>G (p.Cys925Trp)

Gene: LRRK2 (leucine rich repeat kinase 2; plus strand). Cytogenetic location: 12q12.
Variant type: single nucleotide variant.
Coding change: c.2775C>G on transcript NM_198578.4 (MANE Select); coding-DNA position 2775, C replaced by G.
Protein change: p.Cys925Trp; replaces cysteine 925 with tryptophan.
Molecular consequence: missense variant.
Genome position (GRCh38, 1-based): chr12:40,293,630, C>G. VCF-style: chr12-40293630-C-G. GRCh37 (hg19) VCF-style: chr12-40687432-C-G.
Other names: short protein forms C925W.
Identifiers: ClinVar variation 1795850 (VCV001795850.2), dbSNP rs1944250140, ClinGen allele CA384410990.